The following is an entry in ClinVar:

NM_022168.4(IFIH1):c.1134A>T (p.Gln378His)

Gene: IFIH1 (interferon induced with helicase C domain 1; minus strand). Cytogenetic location: 2q24.2.
Variant type: single nucleotide variant.
Coding change: c.1134A>T on transcript NM_022168.4 (MANE Select); coding-DNA position 1134, A replaced by T.
Protein change: p.Gln378His; replaces glutamine 378 with histidine.
Molecular consequence: missense variant.
Genome position (GRCh38, 1-based): chr2:162,282,538, T>A on the plus strand (A>T on the coding strand, the complement: IFIH1 is on the minus strand). VCF-style: chr2-162282538-T-A. GRCh37 (hg19) VCF-style: chr2-163139048-T-A.
Other names: c.1134A>T (NM_022168.2); short protein forms Q378H.
Identifiers: ClinVar variation 1001010 (VCV001001010.7), dbSNP rs750443621, ClinGen allele CA1934604.

ClinVar aggregate classification (germline): Conflicting classifications of pathogenicity. Review status: criteria provided, conflicting classifications (1 of 4 stars). 2 submissions from 2 submitters: Uncertain significance (1); Likely benign (1). Last evaluated 2025-11-23.

Conditions:
Singleton-Merten syndrome 1 (SGMRT1). Also called: Widened medullary cavities of bone, aortic calcification, abnormal dentition, and muscular weakness; Syndrome of widened medullary cavities of the metacarpals and phalanges, aortic calcification and abnormal dentition. Identifiers: Orphanet 85191, MedGen C4225427, MONDO:0024535, OMIM 182250.
Aicardi-Goutieres syndrome 7 (AGS7). Identifiers: Orphanet 51, MedGen C3888244, MONDO:0014367, OMIM 615846.
Inborn genetic diseases. Identifiers: MedGen C0950123, MeSH D030342.

Allele frequency attached by ClinVar (database versions not stated): ExAC 0.00003; gnomAD 0.00004 and 0.00005; gnomAD exomes 0.00003 and 0.00001; TOPMed 0.00009.
gnomAD v4.1: 28 of 1,611,170 alleles (0.0017%); highest among the groups gnomAD compares: Admixed American, 0.03%; no homozygotes.

Submissions (2):

Labcorp Genetics (formerly Invitae), Labcorp
Classification: Likely benign for Aicardi-Goutieres syndrome 7; Singleton-Merten syndrome 1. Last evaluated: 2025-11-23. Review status: criteria provided, single submitter. Criteria: Invitae Variant Classification Sherloc (09022015). Collection method: clinical testing. Allele origin: germline.

Ambry Genetics
Classification: Uncertain significance for Inborn genetic diseases. Last evaluated: 2022-07-21. Review status: criteria provided, single submitter. Criteria: Ambry Variant Classification Scheme 2023. Collection method: clinical testing. Allele origin: germline.
Comment: The c.1134A>T (p.Q378H) alteration is located in exon 6 (coding exon 6) of the IFIH1 gene. This alteration results from a A to T substitution at nucleotide position 1134, causing the glutamine (Q) at amino acid position 378 to be replaced by a histidine (H). The p.Q378H alteration is predicted to be tolerated by in silico analysis. Based on insufficient or conflicting evidence, the clinical significance of this alteration remains unclear.